The following is an entry in ClinVar:

NM_001297.5(CNGB1):c.16C>T (p.Gln6Ter)

Gene: CNGB1 (cyclic nucleotide gated channel subunit beta 1; minus strand). Cytogenetic location: 16q21.
Variant type: single nucleotide variant.
Coding change: c.16C>T on transcript NM_001297.5 (MANE Select); coding-DNA position 16, C replaced by T.
Protein change: p.Gln6Ter; replaces glutamine 6 with a stop codon.
Molecular consequence: nonsense.
Genome position (GRCh38, 1-based): chr16:57,967,271, G>A on the plus strand (C>T on the coding strand, the complement: CNGB1 is on the minus strand). VCF-style: chr16-57967271-G-A. GRCh37 (hg19) VCF-style: chr16-58001175-G-A.
Other names: c.16C>T, p.Gln6Ter (NM_001135639.2, NM_001286130.2); short protein forms Q6*.
Identifiers: ClinVar variation 1425748 (VCV001425748.7), dbSNP rs1427995653, ClinGen allele CA396064336.

ClinVar aggregate classification (germline): Pathogenic/Likely pathogenic. Review status: criteria provided, multiple submitters, no conflicts (2 of 4 stars). 2 submissions from 2 submitters: Pathogenic (1); Likely pathogenic (1). Last evaluated 2025-12-06.

Conditions:
Retinitis pigmentosa 45 (RP45). Identifiers: Orphanet 791, MedGen C3151066, MONDO:0013413, OMIM 613767.

Allele frequency attached by ClinVar (database versions not stated): gnomAD exomes 0.00001; TOPMed 0.00001; gnomAD 0.00002.
gnomAD v4.1: 20 of 1,614,040 alleles (0.0012%); highest among the groups gnomAD compares: Non-Finnish European, 0.0016%; no homozygotes.

Submissions (2):

Labcorp Genetics (formerly Invitae), Labcorp
Classification: Pathogenic. Last evaluated: 2025-12-06. Review status: criteria provided, single submitter. Criteria: Invitae Variant Classification Sherloc (09022015). Collection method: clinical testing. Allele origin: germline.
Comment: This sequence change creates a premature translational stop signal (p.Gln6*) in the CNGB1 gene. It is expected to result in an absent or disrupted protein product. Loss-of-function variants in CNGB1 are known to be pathogenic (PMID: 15557452, 24043777). This variant is present in population databases (no rsID available, gnomAD 0.002%). This variant has not been reported in the literature in individuals affected with CNGB1-related conditions. ClinVar contains an entry for this variant (Variation ID: 1425748). For these reasons, this variant has been classified as Pathogenic.

Fulgent Genetics
Classification: Likely pathogenic for Retinitis pigmentosa 45. Last evaluated: 2024-02-20. Review status: criteria provided, single submitter. Criteria: ACMG Guidelines, 2015. Collection method: clinical testing. Allele origin: germline.

Literature cited by the submitters: PubMed 15557452 (cited by Labcorp Genetics (formerly Invitae), Labcorp); PubMed 24043777 (cited by Labcorp Genetics (formerly Invitae), Labcorp).